The following is an entry in ClinVar:

ClinVar aggregate classification (germline): Uncertain significance. Review status: criteria provided, multiple submitters, no conflicts (2 of 4 stars). 2 submissions from 2 submitters: Uncertain significance (2). Last evaluated 2025-04-09.

Allele frequency attached by ClinVar (database versions not stated): ExAC 0.00001; gnomAD 0.00005 and 0.00006.
gnomAD v4.1: 20 of 1,613,478 alleles (0.0012%); highest among the groups gnomAD compares: African/African-American, 0.025%; no homozygotes.

Submissions (2):

Labcorp Genetics (formerly Invitae), Labcorp
Classification: Uncertain significance. Last evaluated: 2025-04-09. Review status: criteria provided, single submitter. Criteria: Invitae Variant Classification Sherloc (09022015). Collection method: clinical testing. Allele origin: germline.
Comment: This sequence change replaces tryptophan, which is neutral and slightly polar, with cysteine, which is neutral and slightly polar, at codon 52 of the KLF10 protein (p.Trp52Cys). This variant is present in population databases (rs752817498, gnomAD 0.01%). This variant has not been reported in the literature in individuals affected with KLF10-related conditions. ClinVar contains an entry for this variant (Variation ID: 1433991). An algorithm developed to predict the effect of missense changes on protein structure and function (PolyPhen-2) suggests that this variant is likely to be disruptive. In summary, the available evidence is currently insufficient to determine the role of this variant in disease. Therefore, it has been classified as a Variant of Uncertain Significance.

Ambry Genetics
Classification: Uncertain significance. Last evaluated: 2025-04-06. Review status: criteria provided, single submitter. Criteria: Ambry Variant Classification Scheme 2023. Collection method: clinical testing. Allele origin: germline.

NM_005655.4(KLF10):c.156G>C (p.Trp52Cys)

Gene: KLF10 (KLF transcription factor 10; minus strand). Cytogenetic location: 8q22.3.
Variant type: single nucleotide variant.
Coding change: c.156G>C on transcript NM_005655.4 (MANE Select); coding-DNA position 156, G replaced by C.
Protein change: p.Trp52Cys; replaces tryptophan 52 with cysteine.
Molecular consequence: missense variant. On other transcripts: non-coding transcript variant (2).
Genome position (GRCh38, 1-based): chr8:102,652,278, C>G on the plus strand (G>C on the coding strand, the complement: KLF10 is on the minus strand). VCF-style: chr8-102652278-C-G. GRCh37 (hg19) VCF-style: chr8-103664506-C-G.
Other names: c.123G>C, p.Trp41Cys (NM_001032282.4); c.156G>C (NM_005655.2); short protein forms W41C, W52C.
Identifiers: ClinVar variation 1433991 (VCV001433991.9), dbSNP rs752817498, ClinGen allele CA4833681.